The following is an entry in ClinVar:

NM_000548.5(TSC2):c.5160+2T>C

Gene: TSC2 (TSC complex subunit 2; plus strand). Cytogenetic location: 16p13.3.
Variant type: single nucleotide variant.
Coding change: c.5160+2T>C on transcript NM_000548.5 (MANE Select); the canonical splice donor site of the intron after coding-DNA position 5160, T replaced by C.
Molecular consequence: splice donor variant.
Genome position (GRCh38, 1-based): chr16:2,088,141, T>C. VCF-style: chr16-2088141-T-C. GRCh37 (hg19) VCF-style: chr16-2138142-T-C.
Other names: c.3687+2T>C (NM_001406690.1); c.3618+2T>C (NM_001406692.1, NM_001406693.1, NM_001406694.1); c.3684+2T>C (NM_001406691.1); c.3615+2T>C (NM_001406697.1, NM_001406695.1, NM_001406696.1); c.3357+2T>C (NM_001406698.1); c.5091+2T>C (NM_001114382.3); c.5157+2T>C (NM_001406663.1); c.5088+2T>C (NM_001406664.1); and 26 more.
Identifiers: ClinVar variation 65234 (VCV000065234.6), dbSNP rs397515170, ClinGen allele CA021940.

ClinVar aggregate classification (germline): Pathogenic. Review status: criteria provided, multiple submitters, no conflicts (2 of 4 stars). 4 submissions from 4 submitters: Pathogenic (2). 2 of the submissions do not count toward it. Last evaluated 2024-12-13.

Conditions:
Tuberous sclerosis 2 (TSC2). Identifiers: Orphanet 805, MedGen C1860707, MONDO:0013199, OMIM 613254.
Tuberous sclerosis syndrome (TSC). Also called: Tuberous Sclerosis Complex; Tuberous sclerosis. Identifiers: Orphanet 805, MedGen C0041341, MONDO:0001734.

Submissions (4):

Institute of Human Genetics, Heidelberg University
Classification: Pathogenic for Tuberous sclerosis 2. Last evaluated: 2024-12-13. Review status: criteria provided, single submitter. Criteria: ACMG Guidelines, 2015. Collection method: clinical testing. Allele origin: somatic. Affected: yes.

GeneDx
Classification: Pathogenic. Last evaluated: 2024-02-06. Review status: criteria provided, single submitter. Criteria: GeneDx Variant Classification Process June 2021. Collection method: clinical testing. Allele origin: germline. Affected: yes.
Comment: Canonical splice site variant predicted to result in a null allele in a gene for which loss of function is a known mechanism of disease; Not observed at significant frequency in large population cohorts (gnomAD); This variant is associated with the following publications: (PMID: 31855466, 34358384, 30692697)

Baylor Genetics
Classification: Pathogenic for tuberous sclerosis 2. Last evaluated: 2018-11-18. Review status: no assertion criteria provided. Collection method: clinical testing. Allele origin: germline. Affected: yes. Not counted in ClinVar's aggregate classification.

Tuberous sclerosis database (TSC2)
No classification provided. Condition: TSC. Review status: no classification provided. Criteria: Tuberous Sclerosis Database Assertion Criteria 2015. Collection method: curation. Allele origin: germline. Affected: yes. Not counted in ClinVar's aggregate classification.